The following is an entry in ClinVar:

ClinVar aggregate classification (germline): Uncertain significance (1 of 4 stars; one submission).

Conditions:
EGFR-related lung cancer (EGFR). Identifiers: MedGen CN130014.

Submission:

Labcorp Genetics (formerly Invitae), Labcorp
Classification: Uncertain significance for EGFR-related lung cancer. Last evaluated: 2025-05-09. Review status: criteria provided, single submitter. Criteria: Invitae Variant Classification Sherloc (09022015). Collection method: clinical testing. Allele origin: germline.
Comment: This sequence change replaces tyrosine, which is neutral and polar, with histidine, which is basic and polar, at codon 869 of the EGFR protein (p.Tyr869His). This variant is not present in population databases (gnomAD no frequency). This variant has not been reported in the literature in individuals affected with EGFR-related conditions. ClinVar contains an entry for this variant (Variation ID: 2121007). Invitae Evidence Modeling of protein sequence and biophysical properties (such as structural, functional, and spatial information, amino acid conservation, physicochemical variation, residue mobility, and thermodynamic stability) indicates that this missense variant is not expected to disrupt EGFR protein function with a negative predictive value of 80%. In summary, the available evidence is currently insufficient to determine the role of this variant in disease. Therefore, it has been classified as a Variant of Uncertain Significance.

NM_005228.5(EGFR):c.2605T>C (p.Tyr869His)

Gene: EGFR (epidermal growth factor receptor; plus strand). Cytogenetic location: 7p11.2.
Variant type: single nucleotide variant.
Coding change: c.2605T>C on transcript NM_005228.5 (MANE Select); coding-DNA position 2605, T replaced by C.
Protein change: p.Tyr869His; replaces tyrosine 869 with histidine.
Molecular consequence: missense variant.
Genome position (GRCh38, 1-based): chr7:55,191,854, T>C. VCF-style: chr7-55191854-T-C. GRCh37 (hg19) VCF-style: chr7-55259547-T-C.
Other names: c.2470T>C, p.Tyr824His (NM_001346897.2, NM_001346899.2); c.2605T>C, p.Tyr869His (NM_001346898.2); c.2446T>C, p.Tyr816His (NM_001346900.2); c.1804T>C, p.Tyr602His (NM_001346941.2); short protein forms Y602H, Y824H, Y816H, Y869H.
Identifiers: ClinVar variation 2121007 (VCV002121007.4), dbSNP rs2128964692, ClinGen allele CA367580338.